The following is an entry in ClinVar:

ClinVar aggregate classification (germline): Uncertain significance (1 of 4 stars; one submission).

Submission:

GeneDx
Classification: Uncertain significance. Last evaluated: 2026-02-03. Review status: criteria provided, single submitter. Criteria: GeneDx Variant Classification Process June 2021. Collection method: clinical testing. Allele origin: germline.
Comment: Not observed at significant frequency in large population cohorts (gnomAD); In silico analysis supports that this missense variant has a deleterious effect on protein structure/function; Has not been previously published as pathogenic or benign to our knowledge

NM_006421.5(ARFGEF1):c.1330G>T (p.Asp444Tyr)

Gene: ARFGEF1 (ARF guanine nucleotide exchange factor 1; minus strand). Cytogenetic location: 8q13.2.
Variant type: single nucleotide variant.
Coding change: c.1330G>T on transcript NM_006421.5 (MANE Select); coding-DNA position 1330, G replaced by T.
Protein change: p.Asp444Tyr; replaces aspartic acid 444 with tyrosine.
Molecular consequence: missense variant. On other transcripts: non-coding transcript variant (1), intron variant (1).
Genome position (GRCh38, 1-based): chr8:67,275,983, C>A on the plus strand (G>T on the coding strand, the complement: ARFGEF1 is on the minus strand). VCF-style: chr8-67275983-C-A. GRCh37 (hg19) VCF-style: chr8-68188218-C-A.
Other names: c.1330G>T, p.Asp444Tyr (NM_001413184.1, NM_001413185.1, NM_001413186.1 and 7 more transcripts); c.730G>T, p.Asp244Tyr (NM_001413188.1, NM_001413193.1, NM_001413197.1); c.-88-4047G>T (NM_001413196.1); short protein forms D244Y, D444Y.
Identifiers: ClinVar variation 4976126 (VCV004976126.1).
Genomic context (GRCh38, chr8:67,275,983, plus strand): 5'-AAGTTTCAAGCCTAAAAACCTCTATTTGTCAGGCAAAACAGTTAATAACTTACTTTGGAT[C>A]TGGTGGTCCATCTGACAGTGGTTTCATTGACAGTTTACACAATGACCTGAATACTAGAAA-3'
Protein context (NP_006412.2, residues 434-454): SMKPLSDGPP[Asp444Tyr]PKSHELRSKI